The following is an entry in ClinVar:

ClinVar aggregate classification (germline): Likely benign. Review status: criteria provided, multiple submitters, no conflicts (2 of 4 stars). 3 submissions from 3 submitters: Likely benign (3). Last evaluated 2025-06-01.

Allele frequency attached by ClinVar (database versions not stated): gnomAD 0.00009 and 0.00011; TOPMed 0.00011.
gnomAD v4.1: 211 of 1,613,974 alleles (0.013%); highest among the groups gnomAD compares: Non-Finnish European, 0.016%; no homozygotes.

Submissions (3):

CeGaT Center for Human Genetics Tuebingen
Classification: Likely benign. Last evaluated: 2025-06-01. Review status: criteria provided, single submitter. Criteria: CeGaT Center For Human Genetics Tuebingen Variant Classification Criteria Version 2. Collection method: clinical testing. Allele origin: germline. Affected: yes. Observed: 1 variant allele.
Comment: TRAPPC9: BP4, BP7

Labcorp Genetics (formerly Invitae), Labcorp
Classification: Likely benign. Last evaluated: 2024-05-28. Review status: criteria provided, single submitter. Criteria: Invitae Variant Classification Sherloc (09022015). Collection method: clinical testing. Allele origin: germline.

Blueprint Genetics
Classification: Likely benign. Last evaluated: 2023-07-20. Review status: criteria provided, single submitter. Criteria: ACMG Guidelines, 2015. Collection method: clinical testing. Allele origin: germline.

NM_001160372.4(TRAPPC9):c.471C>T (p.Ile157=)

Gene: TRAPPC9 (trafficking protein particle complex subunit 9; minus strand). Cytogenetic location: 8q24.3.
Variant type: single nucleotide variant.
Coding change: c.471C>T on transcript NM_001160372.4 (MANE Select); coding-DNA position 471, C replaced by T.
Protein change: p.Ile157=; no amino-acid change (isoleucine 157 retained).
Molecular consequence: synonymous variant. On other transcripts: non-coding transcript variant (1).
Genome position (GRCh38, 1-based): chr8:140,450,903, G>A on the plus strand (C>T on the coding strand, the complement: TRAPPC9 is on the minus strand). VCF-style: chr8-140450903-G-A. GRCh37 (hg19) VCF-style: chr8-141461002-G-A.
Other names: c.471C>T, p.Ile157= (NM_001321646.2, NM_001374682.1, NM_001374683.1 and 2 more transcripts).
Identifiers: ClinVar variation 726608 (VCV000726608.16), dbSNP rs761584801, ClinGen allele CA4893718.
Genomic context (GRCh38, chr8:140,450,903, plus strand): 5'-AAGGGGGATCTTATCCCCAGACTTGTCTGTGGCTCTGTCCAGACGCTTGGACTCCAGCAC[G>A]ATGAACAGTGACTCGATGAAGTCCTCGATTCTCTTCTCCACCGTCTGGCAGTCCTCGTAG-3'
Protein context (NP_001153844.1, residues 147-167): RIEDFIESLF[Ile157=]VLESKRLDRA